The following is an entry in ClinVar:

ClinVar aggregate classification (germline): Uncertain significance (1 of 4 stars; one submission).

Conditions:
Hereditary cancer-predisposing syndrome. Also called: Neoplastic Syndromes, Hereditary; Tumor predisposition; Hereditary Cancer Syndrome; Hereditary neoplastic syndrome. Identifiers: Orphanet 140162, MedGen C0027672, MeSH D009386, MONDO:0015356.

Submission:

Ambry Genetics
Classification: Uncertain significance for Hereditary cancer-predisposing syndrome. Last evaluated: 2016-12-23. Review status: criteria provided, single submitter. Criteria: Ambry Variant Classification Scheme 2023. Collection method: clinical testing. Allele origin: germline.
Comment: The p.N1307I variant (also known as c.3920A>T), located in coding exon 9 of the MSH6 gene, results from an A to T substitution at nucleotide position 3920. The asparagine at codon 1307 is replaced by isoleucine, an amino acid with dissimilar properties. This amino acid position is poorly conserved in available vertebrate species. In addition, the in silico prediction for this alteration is inconclusive. In addition, the CoDP in silico tool predicts this alteration to have minor impact on molecular function, with a score of 0.001 (Terui H et al. J. Biomed. Sci. 2013;20:25). Since supporting evidence is limited at this time, the clinical significance of this alteration remains unclear.

NM_000179.3(MSH6):c.3920A>T (p.Asn1307Ile)

Gene: MSH6 (mutS homolog 6; plus strand). Cytogenetic location: 2p16.3.
Variant type: single nucleotide variant.
Coding change: c.3920A>T on transcript NM_000179.3 (MANE Select); coding-DNA position 3920, A replaced by T.
Protein change: p.Asn1307Ile; replaces asparagine 1307 with isoleucine.
Molecular consequence: missense variant.
Genome position (GRCh38, 1-based): chr2:47,806,570, A>T. VCF-style: chr2-47806570-A-T. GRCh37 (hg19) VCF-style: chr2-48033709-A-T.
Other names: c.3530A>T, p.Asn1177Ile (NM_001281492.2); c.3014A>T, p.Asn1005Ile (NM_001281493.2, NM_001281494.2, NM_001406815.1 and 6 more transcripts); c.4016A>T, p.Asn1339Ile (NM_001406795.1); c.3920A>T, p.Asn1307Ile (NM_001406796.1, NM_001406808.1, NM_001406809.1); c.3623A>T, p.Asn1208Ile (NM_001406797.1, NM_001406801.1, NM_001406818.1 and 10 more transcripts); c.3746A>T, p.Asn1249Ile (NM_001406798.1); c.3395A>T, p.Asn1132Ile (NM_001406799.1, NM_001406806.1, NM_001406807.1); c.3907A>T, p.Ile1303Phe (NM_001406800.1); and 8 more; short protein forms I1303F, N1005I, N1019I, N1177I, N256I, N1132I, N1339I, N785I.
Identifiers: ClinVar variation 1736197 (VCV001736197.2), dbSNP rs2104561050, ClinGen allele CA346761459.
Genomic context (GRCh38, chr2:47,806,570, plus strand): 5'-ATAAATTCATTAAGGGAGCTTGTCCTAAAAGCTATGGCTTTAATGCAGCAAGGCTTGCTA[A>T]TCTCCCAGAGGAAGTTATTCAAAAGGGACATAGAAAAGCAAGAGAATTTGAGAAGATGAA-3'
Protein context (NP_000170.1, residues 1297-1317): SYGFNAARLA[Asn1307Ile]LPEEVIQKGH